The following is an entry in ClinVar:

ClinVar aggregate classification (germline): Uncertain significance (1 of 4 stars; one submission).

Submission:

Labcorp Genetics (formerly Invitae), Labcorp
Classification: Uncertain significance. Last evaluated: 2022-03-26. Review status: criteria provided, single submitter. Criteria: Invitae Variant Classification Sherloc (09022015). Collection method: clinical testing. Allele origin: germline.
Comment: This sequence change replaces aspartic acid, which is acidic and polar, with histidine, which is basic and polar, at codon 1051 of the GPR179 protein (p.Asp1051His). This variant is not present in population databases (gnomAD no frequency). This variant has not been reported in the literature in individuals affected with GPR179-related conditions. Algorithms developed to predict the effect of missense changes on protein structure and function are either unavailable or do not agree on the potential impact of this missense change (SIFT: "Tolerated"; PolyPhen-2: "Possibly Damaging"; Align-GVGD: "Class C0"). In summary, the available evidence is currently insufficient to determine the role of this variant in disease. Therefore, it has been classified as a Variant of Uncertain Significance.

NM_001004334.4(GPR179):c.3151G>C (p.Asp1051His)

Gene: GPR179 (G protein-coupled receptor 179; minus strand). Cytogenetic location: 17q12.
Variant type: single nucleotide variant.
Coding change: c.3151G>C on transcript NM_001004334.4 (MANE Select); coding-DNA position 3151, G replaced by C.
Protein change: p.Asp1051His; replaces aspartic acid 1051 with histidine.
Molecular consequence: missense variant.
Genome position (GRCh38, 1-based): chr17:38,330,418, C>G on the plus strand (G>C on the coding strand, the complement: GPR179 is on the minus strand). VCF-style: chr17-38330418-C-G. GRCh37 (hg19) VCF-style: chr17-36486301-C-G.
Other names: short protein forms D1051H.
Identifiers: ClinVar variation 2117908 (VCV002117908.4), dbSNP rs770213472, ClinGen allele CA398880562.